The following is an entry in ClinVar:

NM_001372.4(DNAH9):c.4136C>G (p.Pro1379Arg)

Gene: DNAH9 (dynein axonemal heavy chain 9; plus strand). Cytogenetic location: 17p12.
Variant type: single nucleotide variant.
Coding change: c.4136C>G on transcript NM_001372.4 (MANE Select); coding-DNA position 4136, C replaced by G.
Protein change: p.Pro1379Arg; replaces proline 1379 with arginine.
Molecular consequence: missense variant.
Genome position (GRCh38, 1-based): chr17:11,689,958, C>G. VCF-style: chr17-11689958-C-G. GRCh37 (hg19) VCF-style: chr17-11593275-C-G.
Other names: c.4136C>G (NM_001372.3); short protein forms P1379R.
Identifiers: ClinVar variation 2186008 (VCV002186008.4), dbSNP rs772358930, ClinGen allele CA8395607.

ClinVar aggregate classification (germline): Uncertain significance. Review status: criteria provided, multiple submitters, no conflicts (2 of 4 stars). 2 submissions from 2 submitters: Uncertain significance (2). Last evaluated 2023-12-11.

Allele frequency attached by ClinVar (database versions not stated): gnomAD 0.00001; gnomAD exomes 0.00003; ExAC 0.00005.
gnomAD v4.1: 42 of 1,613,022 alleles (0.0026%); highest among the groups gnomAD compares: Non-Finnish European, 0.0033%; no homozygotes.

Submissions (2):

Labcorp Genetics (formerly Invitae), Labcorp
Classification: Uncertain significance. Last evaluated: 2023-12-11. Review status: criteria provided, single submitter. Criteria: Invitae Variant Classification Sherloc (09022015). Collection method: clinical testing. Allele origin: germline.
Comment: This sequence change replaces proline, which is neutral and non-polar, with arginine, which is basic and polar, at codon 1379 of the DNAH9 protein (p.Pro1379Arg). This variant is present in population databases (rs772358930, gnomAD 0.005%). This variant has not been reported in the literature in individuals affected with DNAH9-related conditions. ClinVar contains an entry for this variant (Variation ID: 2186008). Advanced modeling of protein sequence and biophysical properties (such as structural, functional, and spatial information, amino acid conservation, physicochemical variation, residue mobility, and thermodynamic stability) performed at Invitae indicates that this missense variant is not expected to disrupt DNAH9 protein function with a negative predictive value of 80%. In summary, the available evidence is currently insufficient to determine the role of this variant in disease. Therefore, it has been classified as a Variant of Uncertain Significance.

GeneDx
Classification: Uncertain significance. Last evaluated: 2022-08-25. Review status: criteria provided, single submitter. Criteria: GeneDx Variant Classification Process June 2021. Collection method: clinical testing. Allele origin: germline. Affected: yes.
Comment: In silico analysis supports that this missense variant has a deleterious effect on protein structure/function; Has not been previously published as pathogenic or benign to our knowledge